The following is an entry in ClinVar:

NM_001278064.2(GRM1):c.1730G>T (p.Gly577Val)

Gene: GRM1 (glutamate metabotropic receptor 1; plus strand). Cytogenetic location: 6q24.3.
Variant type: single nucleotide variant.
Coding change: c.1730G>T on transcript NM_001278064.2 (MANE Select); coding-DNA position 1730, G replaced by T.
Protein change: p.Gly577Val; replaces glycine 577 with valine.
Molecular consequence: missense variant.
Genome position (GRCh38, 1-based): chr6:146,398,769, G>T. VCF-style: chr6-146398769-G-T. GRCh37 (hg19) VCF-style: chr6-146719905-G-T.
Other names: c.1730G>T, p.Gly577Val (NM_001278065.2, NM_001278066.1, NM_001278067.1); short protein forms G577V.
Identifiers: ClinVar variation 1704082 (VCV001704082.2), dbSNP rs1320752335, ClinGen allele CA366193787.

ClinVar aggregate classification (germline): Uncertain significance (1 of 4 stars; one submission).

gnomAD v4.1: 1 of 1,604,956 alleles (0.000062%); highest among the groups gnomAD compares: Admixed American, 0.0017%; no homozygotes.

Submission:

GeneDx
Classification: Uncertain significance. Last evaluated: 2022-03-04. Review status: criteria provided, single submitter. Criteria: GeneDx Variant Classification Process June 2021. Collection method: clinical testing. Allele origin: germline. Affected: yes.
Comment: Not observed at significant frequency in large population cohorts (gnomAD); In silico analysis supports that this missense variant has a deleterious effect on protein structure/function; Has not been previously published as pathogenic or benign to our knowledge